The following is an entry in ClinVar:

ClinVar aggregate classification (germline): Uncertain significance (1 of 4 stars; one submission).

Conditions:
Cardiovascular phenotype. Identifiers: MedGen CN230736.

Submission:

Ambry Genetics
Classification: Uncertain significance for Cardiovascular phenotype. Last evaluated: 2024-11-06. Review status: criteria provided, single submitter. Criteria: Ambry Variant Classification Scheme 2023. Collection method: clinical testing. Allele origin: germline.
Comment: The p.A17P variant (also known as c.49G>C), located in coding exon 1 of the GATA4 gene, results from a G to C substitution at nucleotide position 49. The alanine at codon 17 is replaced by proline, an amino acid with highly similar properties. This amino acid position is conserved. In addition, the in silico prediction for this alteration is inconclusive. Based on the available evidence, the clinical significance of this variant remains unclear.

NM_001308093.3(GATA4):c.49G>C (p.Ala17Pro)

Gene: GATA4 (GATA binding protein 4). Cytogenetic location: 8p23.1.
Variant type: single nucleotide variant.
Coding change: c.49G>C on transcript NM_001308093.3 (MANE Select); coding-DNA position 49, G replaced by C.
Protein change: p.Ala17Pro; replaces alanine 17 with proline.
Molecular consequence: missense variant. On other transcripts: intron variant (3).
Genome position (GRCh38, 1-based): chr8:11,708,361, G>C. VCF-style: chr8-11708361-G-C. GRCh37 (hg19) VCF-style: chr8-11565870-G-C.
Other names: c.49G>C, p.Ala17Pro (NM_002052.5); c.-6+7583G>C (NM_001308094.2); c.-3+347G>C (NM_001374274.1); c.-3+4057G>C (NM_001374273.1); short protein forms A17P.
Identifiers: ClinVar variation 3519056 (VCV003519056.1).